The following is an entry in ClinVar:

NM_000256.3(MYBPC3):c.1924C>T (p.Gln642Ter)

Gene: MYBPC3 (myosin binding protein C3; minus strand). Cytogenetic location: 11p11.2.
Variant type: single nucleotide variant.
Coding change: c.1924C>T on transcript NM_000256.3 (MANE Select); coding-DNA position 1924, C replaced by T.
Protein change: p.Gln642Ter; replaces glutamine 642 with a stop codon.
Molecular consequence: nonsense.
Genome position (GRCh38, 1-based): chr11:47,341,006, G>A on the plus strand (C>T on the coding strand, the complement: MYBPC3 is on the minus strand). VCF-style: chr11-47341006-G-A. GRCh37 (hg19) VCF-style: chr11-47362557-G-A.
Other names: short protein forms Q642*.
Identifiers: ClinVar variation 177705 (VCV000177705.19), dbSNP rs727504293, ClinGen allele CA011501.

ClinVar aggregate classification (germline): Pathogenic. Review status: criteria provided, multiple submitters, no conflicts (2 of 4 stars). 5 submissions from 5 submitters: Pathogenic (4). 1 of the submissions does not count toward it. Last evaluated 2026-05-28.

Conditions:
Cardiovascular phenotype. Identifiers: MedGen CN230736.
Primary familial hypertrophic cardiomyopathy (HCM). Identifiers: Orphanet 99739, MedGen C0949658, MeSH D024741, MONDO:0024573. Inheritance: Various modes of inheritance.
MYBPC3-related disorder. Also called: MYBPC3-related disorders; MYBPC3-related condition; MYBPC3-related disease.
Hypertrophic cardiomyopathy. Also called: HYPERTROPHIC MYOCARDIOPATHY. Identifiers: Orphanet 217569, MedGen C0007194, MeSH D002312, MONDO:0005045, HP:0001639.

Submissions (5):

Clinical Genetics Laboratory, Skane University Hospital Lund
Classification: Pathogenic for Primary familial hypertrophic cardiomyopathy. Last evaluated: 2026-05-28. Review status: criteria provided, single submitter. Criteria: ACMG Guidelines, 2015. Collection method: clinical testing. Allele origin: germline. Affected: yes.
Comment: Classified using ClinGen Cardiomyopathy Expert Panel Specifications to the ACMG/AMP Variant Interpretation Guidelines for MYBPC3 Version 1.0.0: PVS1, PS4_Moderate and PM2_Supporting.

Labcorp Genetics (formerly Invitae), Labcorp
Classification: Pathogenic for Hypertrophic cardiomyopathy. Last evaluated: 2023-05-22. Review status: criteria provided, single submitter. Criteria: Invitae Variant Classification Sherloc (09022015). Collection method: clinical testing. Allele origin: germline.
Comment: Algorithms developed to predict the effect of sequence changes on RNA splicing suggest that this variant may create or strengthen a splice site. For these reasons, this variant has been classified as Pathogenic. ClinVar contains an entry for this variant (Variation ID: 177705). This premature translational stop signal has been observed in individual(s) with hypertrophic cardiomyopathy (PMID: 22267749, 27532257). This variant is not present in population databases (gnomAD no frequency). This sequence change creates a premature translational stop signal (p.Gln642*) in the MYBPC3 gene. It is expected to result in an absent or disrupted protein product. Loss-of-function variants in MYBPC3 are known to be pathogenic (PMID: 19574547).

Blueprint Genetics
Classification: Pathogenic for MYBPC3-related disorders. Last evaluated: 2019-04-25. Review status: criteria provided, single submitter. Criteria: ACMG Guidelines, 2015. Collection method: clinical testing. Allele origin: germline. Affected: yes. Observed: 1 variant allele.

Ambry Genetics
Classification: Pathogenic for Cardiovascular phenotype. Last evaluated: 2017-01-10. Review status: criteria provided, single submitter. Criteria: Ambry Variant Classification Scheme 2023. Collection method: clinical testing. Allele origin: germline.
Comment: The p.Q642* pathogenic mutation (also known as c.1924C>T), located in coding exon 20 of the MYBPC3 gene, results from a C to T substitution at nucleotide position 1924. This changes the amino acid from a glutamine to a stop codon within coding exon 20. This alteration has previously been described in a hypertrophic cardiomyopathy (HCM) cohort (Page SP et al. Circ Cardiovasc Genet. 2012;5:156-66). In addition to the clinical data presented in the literature, this alteration is expected to result in loss of function by premature protein truncation or nonsense-mediated mRNA decay. As such, this alteration is interpreted as a disease-causing mutation.

Laboratory for Molecular Medicine, Mass General Brigham Personalized Medicine
Classification: Pathogenic for Hypertrophic cardiomyopathy. Last evaluated: 2013-03-04. Review status: no assertion criteria provided. Collection method: clinical testing. Allele origin: germline. Inheritance: Autosomal dominant inheritance. Observed: 3 variant alleles. Not counted in ClinVar's aggregate classification.
Comment: proposed classification - variant undergoing re-assessment, contact laboratory

Literature cited by the submitters: PubMed 22267749 (cited by Labcorp Genetics (formerly Invitae), Labcorp and Ambry Genetics); PubMed 27532257 (cited by Labcorp Genetics (formerly Invitae), Labcorp); PubMed 19574547 (cited by Labcorp Genetics (formerly Invitae), Labcorp).